The following is an entry in ClinVar:

NM_000070.3(CAPN3):c.640G>A (p.Gly214Ser)

Gene: CAPN3 (calpain 3; plus strand). Cytogenetic location: 15q15.1.
Variant type: single nucleotide variant.
Coding change: c.640G>A on transcript NM_000070.3 (MANE Select); coding-DNA position 640, G replaced by A.
Protein change: p.Gly214Ser; replaces glycine 214 with serine.
Molecular consequence: missense variant.
Genome position (GRCh38, 1-based): chr15:42,388,935, G>A. VCF-style: chr15-42388935-G-A. GRCh37 (hg19) VCF-style: chr15-42681133-G-A.
Other names: c.640G>A, p.Gly214Ser (NM_024344.2, NM_173087.2); short protein forms G214S.
Identifiers: ClinVar variation 496915 (VCV000496915.66), dbSNP rs369784333, ClinGen allele CA7511089.

ClinVar aggregate classification (germline): Pathogenic/Likely pathogenic. Review status: criteria provided, multiple submitters, no conflicts (2 of 4 stars). 11 submissions from 11 submitters: Pathogenic (7); Likely pathogenic (3). 1 of the submissions does not count toward it. Last evaluated 2025-09-29.

Conditions:
Muscular dystrophy, limb-girdle, autosomal dominant 4. Also called: Calpain-3-related limb-girdle muscular dystrophy D4; MUSCULAR DYSTROPHY, LIMB-GIRDLE, TYPE 1I. Identifiers: Orphanet 565909, MedGen C4748295, MONDO:0029133, OMIM 618129.
Autosomal recessive limb-girdle muscular dystrophy type 2A (LGMDR1). Also called: Calpainopathy; LEYDEN-MOEBIUS MUSCULAR DYSTROPHY; MUSCULAR DYSTROPHY, PELVOFEMORAL; Muscular dystrophy, limb-girdle, type 2A, Amish; Limb-girdle muscular dystrophy, type 2A. Identifiers: Orphanet 267, MedGen C1869123, MONDO:0009675, OMIM 253600. Disease mechanism: loss of function.
Autosomal recessive limb-girdle muscular dystrophy. Identifiers: Orphanet 102015, MedGen C2931907, MONDO:0015152.

Allele frequency attached by ClinVar (database versions not stated): TOPMed 0.00002; gnomAD 0.00004 and 0.00005; ExAC 0.00008; gnomAD exomes 0.00009; ESP Exome Variant Server 0.00015.
gnomAD v4.1: 78 of 1,613,778 alleles (0.0048%); highest among the groups gnomAD compares: Non-Finnish European, 0.0065%; no homozygotes.

Submissions (11):

Natera, Inc.
Classification: Pathogenic for Limb-girdle muscular dystrophy type 2A. Last evaluated: 2025-09-29. Review status: criteria provided, single submitter. Criteria: Natera Variant Classification Schema (03/2026). Collection method: clinical testing. Allele origin: germline.
Comment: The c.640G>A variant in CAPN3 is a missense variant predicted to cause substitution of glycine to serine at amino acid 214. This variant is rare in the general population with a frequency below the threshold expected for the associated phenotype(s). This variant has been observed in one or more individuals affected with the associated recessive disease, as either homozygous or compound heterozygous with a second variant (PMID: 25135358, 19556129, 30919934). Computational prediction algorithms indicate this variant is likely to affect gene or protein function. Given the available evidence, this variant is classified as Pathogenic.

GeneDx
Classification: Likely pathogenic. Last evaluated: 2025-07-21. Review status: criteria provided, single submitter. Criteria: GeneDx Variant Classification Process June 2021. Collection method: clinical testing. Allele origin: germline. Affected: yes.
Comment: In silico analysis supports that this missense variant has a deleterious effect on protein structure/function; This variant is associated with the following publications: (PMID: 30564623, 31589614, 34405919, 35734998, 10330340, 15689361, 25135358, 19556129, 30919934, 37526466)

Labcorp Genetics (formerly Invitae), Labcorp
Classification: Pathogenic for Autosomal recessive limb-girdle muscular dystrophy type 2A. Last evaluated: 2025-05-05. Review status: criteria provided, single submitter. Criteria: Invitae Variant Classification Sherloc (09022015). Collection method: clinical testing. Allele origin: germline.
Comment: This sequence change replaces glycine, which is neutral and non-polar, with serine, which is neutral and polar, at codon 214 of the CAPN3 protein (p.Gly214Ser). This variant is present in population databases (rs369784333, gnomAD 0.02%). This missense change has been observed in individual(s) with autosomal recessive limb-girdle muscular dystrophy (PMID: 19556129, 25135358, 30919934). It has also been observed to segregate with disease in related individuals. ClinVar contains an entry for this variant (Variation ID: 496915). Invitae Evidence Modeling of protein sequence and biophysical properties (such as structural, functional, and spatial information, amino acid conservation, physicochemical variation, residue mobility, and thermodynamic stability) indicates that this missense variant is not expected to disrupt CAPN3 protein function with a negative predictive value of 80%. For these reasons, this variant has been classified as Pathogenic.

Revvity Omics, Revvity
Classification: Pathogenic. Last evaluated: 2024-12-13. Review status: criteria provided, single submitter. Criteria: ACMG Guidelines, 2015. Collection method: clinical testing. Allele origin: germline.

Fulgent Genetics
Classification: Pathogenic for Autosomal recessive limb-girdle muscular dystrophy type 2A; Muscular dystrophy, limb-girdle, autosomal dominant 4. Last evaluated: 2024-06-18. Review status: criteria provided, single submitter. Criteria: ACMG Guidelines, 2015. Collection method: clinical testing. Allele origin: germline.

Baylor Genetics
Classification: Pathogenic for Muscular dystrophy, limb-girdle, autosomal dominant 4. Last evaluated: 2024-03-27. Review status: criteria provided, single submitter. Criteria: ACMG Guidelines, 2015. Collection method: clinical testing. Allele origin: unknown.

Centre for Clinical Genetics and Genomic Diagnostics, Zealand University Hospital
Classification: Likely pathogenic. Last evaluated: 2024-02-16. Review status: criteria provided, single submitter. Criteria: ACMG Guidelines, 2015. Collection method: clinical testing. Allele origin: germline. Affected: yes.

Women's Health and Genetics/Laboratory Corporation of America, LabCorp
Classification: Pathogenic for Autosomal recessive limb-girdle muscular dystrophy. Last evaluated: 2022-12-15. Review status: criteria provided, single submitter. Criteria: LabCorp Variant Classification Summary - May 2015. Collection method: clinical testing. Allele origin: germline.
Comment: Variant summary: CAPN3 c.640G>A (p.Gly214Ser) results in a non-conservative amino acid change located in the Peptidase C2, calpain, catalytic domain of the encoded protein sequence. Four of five in-silico tools predict a damaging effect of the variant on protein function. The variant allele was found at a frequency of 8.7e-05 in 251464 control chromosomes. This frequency is not significantly higher than expected for a pathogenic variant in CAPN3 causing Limb-Girdle Muscular Dystrophy, Autosomal Recessive (8.7e-05 vs 0.0032), allowing no conclusion about variant significance. c.640G>A has been reported in the literature in multiple individuals affected with Limb-Girdle Muscular Dystrophy, Autosomal Recessive. These data indicate that the variant is very likely to be associated with disease. To our knowledge, no experimental evidence demonstrating an impact on protein function has been reported. Six clinical diagnostic laboratories have submitted clinical-significance assessments for this variant to ClinVar after 2014 without evidence for independent evaluation (Pathogenic/likely pathogenic n=5, VUS n=1). Based on the evidence outlined above, the variant was classified as pathogenic.

CeGaT Center for Human Genetics Tuebingen
Classification: Pathogenic. Last evaluated: 2020-11-01. Review status: criteria provided, single submitter. Criteria: CeGaT Center For Human Genetics Tuebingen Variant Classification Criteria Version 2. Collection method: clinical testing. Allele origin: germline. Affected: yes. Observed: 1 variant allele.

Eurofins Ntd Llc (ga)
Classification: Likely pathogenic. Last evaluated: 2017-11-07. Review status: criteria provided, single submitter. Criteria: EGL Classification Definitions 2015. Collection method: clinical testing. Allele origin: germline. Observed: 4 variant alleles, 4 heterozygotes.

Counsyl
Classification: Likely pathogenic for Autosomal recessive limb-girdle muscular dystrophy type 2A. Last evaluated: 2018-03-08. Review status: no assertion criteria provided. Collection method: clinical testing. Allele origin: unknown. Not counted in ClinVar's aggregate classification.

Literature cited by the submitters: PubMed 25135358 (cited by 4 submitters); PubMed 19556129 (cited by 4 submitters); PubMed 30919934 (cited by 3 submitters); PubMed 30564623 (cited by Women's Health and Genetics/Laboratory Corporation of America, LabCorp); PubMed 10330340 (cited by Women's Health and Genetics/Laboratory Corporation of America, LabCorp and Counsyl); PubMed 15689361 (cited by Women's Health and Genetics/Laboratory Corporation of America, LabCorp).